The following is an entry in ClinVar:

NM_033028.5(BBS4):c.10G>C (p.Glu4Gln)

Gene: BBS4 (Bardet-Biedl syndrome 4; plus strand). Cytogenetic location: 15q24.1.
Variant type: single nucleotide variant.
Coding change: c.10G>C on transcript NM_033028.5 (MANE Select); coding-DNA position 10, G replaced by C.
Protein change: p.Glu4Gln; replaces glutamic acid 4 with glutamine.
Molecular consequence: missense variant. On other transcripts: 5 prime UTR variant (1), non-coding transcript variant (2).
Genome position (GRCh38, 1-based): chr15:72,686,237, G>C. VCF-style: chr15-72686237-G-C. GRCh37 (hg19) VCF-style: chr15-72978578-G-C.
Other names: c.-460G>C (NM_001252678.2); c.10G>C, p.Glu4Gln (NM_001320665.2); short protein forms E4Q.
Identifiers: ClinVar variation 2012196 (VCV002012196.4), dbSNP rs1336636537, ClinGen allele CA393075012.
Genomic context (GRCh38, chr15:72,686,237, plus strand): 5'-TCGTCTGGGAAACCGCCGACTTCCGGCCGCGCAGCGGTGGGCTGAGCTAAAATGGCTGAG[G>C]AGAGAGTCGCGACGGTGAGCGCCGAGATTCTCTTTAGTTGCCCGGCCGCAGGGCAAGGCA-3'
Protein context (NP_149017.2, residues 1-14): MAE[Glu4Gln]RVATRTQFPV

ClinVar aggregate classification (germline): Uncertain significance (1 of 4 stars; one submission).

Conditions:
Bardet-Biedl syndrome (BBS). Identifiers: Orphanet 110, MedGen C0752166, MONDO:0015229.

Submission:

Labcorp Genetics (formerly Invitae), Labcorp
Classification: Uncertain significance for Bardet-Biedl syndrome. Last evaluated: 2022-06-30. Review status: criteria provided, single submitter. Criteria: Invitae Variant Classification Sherloc (09022015). Collection method: clinical testing. Allele origin: germline.
Comment: In summary, the available evidence is currently insufficient to determine the role of this variant in disease. Therefore, it has been classified as a Variant of Uncertain Significance. Algorithms developed to predict the effect of missense changes on protein structure and function output the following: SIFT: "Tolerated"; PolyPhen-2: "Benign"; Align-GVGD: "Class C0". The glutamine amino acid residue is found in multiple mammalian species, which suggests that this missense change does not adversely affect protein function. This variant has not been reported in the literature in individuals affected with BBS4-related conditions. This variant is not present in population databases (gnomAD no frequency). This sequence change replaces glutamic acid, which is acidic and polar, with glutamine, which is neutral and polar, at codon 4 of the BBS4 protein (p.Glu4Gln).